The following is an entry in ClinVar:

ClinVar aggregate classification (germline): Uncertain significance (1 of 4 stars; one submission).

Conditions:
Retinoblastoma (RB1). Also called: RETINOBLASTOMA, SOMATIC. Identifiers: Orphanet 790, MedGen C0035335, MeSH D012175, MONDO:0008380, OMIM 180200, HP:0009919. Disease mechanism: loss of function. Inheritance: Both sporadic and heritable forms are tested..

Submission:

Labcorp Genetics (formerly Invitae), Labcorp
Classification: Uncertain significance for Retinoblastoma. Last evaluated: 2025-07-02. Review status: criteria provided, single submitter. Criteria: Invitae Variant Classification Sherloc (09022015). Collection method: clinical testing. Allele origin: germline.
Comment: This variant occurs in a non-coding region of the RB1 gene. It does not change the encoded amino acid sequence of the RB1 protein. This variant is not present in population databases (gnomAD no frequency). This variant has not been reported in the literature in individuals affected with RB1-related conditions. Experimental studies and prediction algorithms are not available or were not evaluated, and the functional significance of this variant is currently unknown. In summary, the available evidence is currently insufficient to determine the role of this variant in disease. Therefore, it has been classified as a Variant of Uncertain Significance.

NC_000013.11:g.48303721G>T

Gene: RB1 (RB transcriptional corepressor 1; plus strand). Cytogenetic location: 13q14.2.
Variant type: single nucleotide variant.
Genome position: GRCh38 VCF-style: chr13-48303721-G-T. GRCh37 (hg19) VCF-style: chr13-48877857-G-T.
Identifiers: ClinVar variation 4738281 (VCV004738281.1).